The following is an entry in ClinVar:

NM_000038.6(APC):c.4571T>G (p.Ile1524Arg)

Gene: APC (APC regulator of Wnt signaling pathway; plus strand). Cytogenetic location: 5q22.2.
Variant type: single nucleotide variant.
Coding change: c.4571T>G on transcript NM_000038.6 (MANE Select); coding-DNA position 4571, T replaced by G.
Protein change: p.Ile1524Arg; replaces isoleucine 1524 with arginine.
Molecular consequence: missense variant.
Genome position (GRCh38, 1-based): chr5:112,840,165, T>G. VCF-style: chr5-112840165-T-G. GRCh37 (hg19) VCF-style: chr5-112175862-T-G.
Other names: c.4571T>G, p.Ile1524Arg (NM_001127510.3, NM_001354895.2); c.4517T>G, p.Ile1506Arg (NM_001127511.3); c.4625T>G, p.Ile1542Arg (NM_001354896.2); c.4601T>G, p.Ile1534Arg (NM_001354897.2); c.4496T>G, p.Ile1499Arg (NM_001354898.2); c.4487T>G, p.Ile1496Arg (NM_001354899.2); c.4448T>G, p.Ile1483Arg (NM_001354900.2); c.4394T>G, p.Ile1465Arg (NM_001354901.2); and 5 more; short protein forms I1506R, I1524R, I1496R, I1241R, I1433R, I1465R, I1499R, I1534R.
Identifiers: ClinVar variation 216165 (VCV000216165.27), dbSNP rs200803739, ClinGen allele CA339419.

ClinVar aggregate classification (germline): Uncertain significance. Review status: criteria provided, multiple submitters, no conflicts (2 of 4 stars). 7 submissions from 7 submitters: Uncertain significance (7). Last evaluated 2025-10-26.

Conditions:
Classic or attenuated familial adenomatous polyposis. Identifiers: MedGen CN372698, MONDO:0021057.
Hereditary cancer-predisposing syndrome. Also called: Hereditary Cancer Syndrome; Hereditary neoplastic syndrome; Neoplastic Syndromes, Hereditary; Tumor predisposition. Identifiers: Orphanet 140162, MedGen C0027672, MeSH D009386, MONDO:0015356.
Familial adenomatous polyposis 1 (FAP1). Also called: FAMILIAL ADENOMATOUS POLYPOSIS 1, ATTENUATED; POLYPOSIS, ADENOMATOUS INTESTINAL. Identifiers: MedGen C2713442, MONDO:0021056, OMIM 175100. Disease mechanism: loss of function.

Allele frequency attached by ClinVar (database versions not stated): TOPMed below 0.00001; gnomAD exomes 0.00001.
gnomAD v4.1: 9 of 1,614,086 alleles (0.00056%); highest among the groups gnomAD compares: South Asian, 0.0055%; no homozygotes.

Submissions (7):

Ambry Genetics
Classification: Uncertain significance for Hereditary cancer-predisposing syndrome. Last evaluated: 2025-10-26. Review status: criteria provided, single submitter. Criteria: Ambry Variant Classification Scheme 2023. Collection method: clinical testing. Allele origin: germline.
Comment: The p.I1524R variant (also known as c.4571T>G), located in coding exon 15 of the APC gene, results from a T to G substitution at nucleotide position 4571. The isoleucine at codon 1524 is replaced by arginine, an amino acid with similar properties. This amino acid position is highly conserved in available vertebrate species. In addition, in silico predictors for this gene do not accurately predict pathogenicity. Since supporting evidence is limited at this time, the clinical significance of this alteration remains unclear.

Labcorp Genetics (formerly Invitae), Labcorp
Classification: Uncertain significance for Familial adenomatous polyposis 1. Last evaluated: 2024-12-24. Review status: criteria provided, single submitter. Criteria: Invitae Variant Classification Sherloc (09022015). Collection method: clinical testing. Allele origin: germline.
Comment: This sequence change replaces isoleucine, which is neutral and non-polar, with arginine, which is basic and polar, at codon 1524 of the APC protein (p.Ile1524Arg). This variant is not present in population databases (gnomAD no frequency). This variant has not been reported in the literature in individuals affected with APC-related conditions. ClinVar contains an entry for this variant (Variation ID: 216165). Invitae Evidence Modeling of protein sequence and biophysical properties (such as structural, functional, and spatial information, amino acid conservation, physicochemical variation, residue mobility, and thermodynamic stability) indicates that this missense variant is not expected to disrupt APC protein function with a negative predictive value of 95%. In summary, the available evidence is currently insufficient to determine the role of this variant in disease. Therefore, it has been classified as a Variant of Uncertain Significance.

Women's Health and Genetics/Laboratory Corporation of America, LabCorp
Classification: Uncertain significance. Last evaluated: 2024-04-09. Review status: criteria provided, single submitter. Criteria: LabCorp Variant Classification Summary - May 2015. Collection method: clinical testing. Allele origin: germline.
Comment: Variant summary: APC c.4571T>G (p.Ile1524Arg) results in a non-conservative amino acid change in the encoded protein sequence. Four of five in-silico tools predict a damaging effect of the variant on protein function. The variant was absent in 250444 control chromosomes. The available data on variant occurrences in the general population are insufficient to allow any conclusion about variant significance. c.4571T>G has been reported in the literature in individuals affected with Biliary tract cancer (Okawa_2022). These report(s) do not provide unequivocal conclusions about association of the variant with Familial Adenomatous Polyposis without evidence for causality. To our knowledge, no experimental evidence demonstrating an impact on protein function has been reported. The following publication have been ascertained in the context of this evaluation (PMID: 36243179). ClinVar contains an entry for this variant (Variation ID: 216165). Based on the evidence outlined above, the variant was classified as uncertain significance.

Baylor Genetics
Classification: Uncertain significance for Familial adenomatous polyposis 1. Last evaluated: 2023-11-23. Review status: criteria provided, single submitter. Criteria: ACMG Guidelines, 2015. Collection method: clinical testing. Allele origin: unknown.

All of Us Research Program, National Institutes of Health
Classification: Uncertain significance for Classic or attenuated familial adenomatous polyposis. Last evaluated: 2023-11-02. Review status: criteria provided, single submitter. Criteria: ACMG Guidelines, 2015. Collection method: clinical testing. Allele origin: germline. Inheritance: Autosomal dominant inheritance. Observed: 2 variant alleles, 2 heterozygotes.
Comment: This missense variant replaces isoleucine with arginine at codon 1524 of the APC protein. Computational prediction is inconclusive regarding the impact of this variant on protein structure and function (internally defined REVEL score threshold 0.5 < inconclusive < 0.7, PMID: 27666373). To our knowledge, functional studies have not been reported for this variant. This variant has not been reported in individuals affected with APC-related disorders. This variant has not been identified in the general population by the Genome Aggregation Database (gnomAD). The available evidence is insufficient to determine the role of this variant in disease conclusively. Therefore, this variant is classified as a Variant of Uncertain Significance.

This study involves interpretation of variants in research participants for the purpose of population health screening. Participant phenotype was not available at the time of variant classification. Additional details can be found in publication PMID: 35346344, PMCID: PMC8962531

GeneDx
Classification: Uncertain significance. Last evaluated: 2023-10-31. Review status: criteria provided, single submitter. Criteria: GeneDx Variant Classification Process June 2021. Collection method: clinical testing. Allele origin: germline. Affected: yes.
Comment: Not observed at significant frequency in large population cohorts (gnomAD); In silico analysis supports that this missense variant has a deleterious effect on protein structure/function; Observed in an individual with unspecified features of Peutz-Jeghers syndrome and no identified variant in STK11; also identified in an unaffected control individual (PMID: 37377590, 36243179); This variant is associated with the following publications: (PMID: 18199528, 36243179, 37377590)

Color Diagnostics, LLC DBA Color Health
Classification: Uncertain significance for Hereditary cancer-predisposing syndrome. Last evaluated: 2023-03-02. Review status: criteria provided, single submitter. Criteria: ACMG Guidelines, 2015. Collection method: clinical testing. Allele origin: germline.
Comment: This missense variant replaces isoleucine with arginine at codon 1524 of the APC protein. Computational prediction is inconclusive regarding the impact of this variant on protein structure and function (internally defined REVEL score threshold 0.5 < inconclusive < 0.7, PMID: 27666373). To our knowledge, functional studies have not been reported for this variant. This variant has not been reported in individuals affected with APC-related disorders. This variant has not been identified in the general population by the Genome Aggregation Database (gnomAD). The available evidence is insufficient to determine the role of this variant in disease conclusively. Therefore, this variant is classified as a Variant of Uncertain Significance.

Literature cited by the submitters: PubMed 36243179 (cited by Women's Health and Genetics/Laboratory Corporation of America, LabCorp).